The following is an entry in ClinVar:

NM_003640.5(ELP1):c.438_439delinsAT (p.Gln147Ter)

Gene: ELP1 (elongator acetyltransferase complex subunit 1; minus strand). Cytogenetic location: 9q31.3.
Variant type: Indel.
Coding change: c.438_439delinsAT on transcript NM_003640.5 (MANE Select); coding-DNA positions 438 to 439, GC replaced by AT.
Protein change: p.Gln147Ter; replaces glutamine 147 with a stop codon.
Molecular consequence: nonsense. On other transcripts: 5 prime UTR variant (1).
Genome position (GRCh38, 1-based): chr9:108,926,550-108,926,551, GC replaced by AT on the plus strand (GC replaced by AT on the coding strand, the reverse complement: ELP1 is on the minus strand). VCF-style: chr9-108926550-GC-AT. GRCh37 (hg19) VCF-style: chr9-111688830-GC-AT.
Other names: c.96_97delinsAT, p.Gln33Ter (NM_001318360.2); c.-422_-421delinsAT (NM_001330749.2); short protein forms Q147*, Q33*.
Identifiers: ClinVar variation 4815242 (VCV004815242.1).
Genomic context (GRCh38, chr9:108,926,550, plus strand): 5'-AGGTCACAAAATATTGCACAAAGCTATACTTACTTTCACCAAAATCATCCTGATGGATCT[GC>AT]TGCTCCAGGATTGGCTCAAAATCTTTTGTCATCATAATCAGGGTCTGTTGACCTTAGAGA-3'

ClinVar aggregate classification (germline): Likely pathogenic (1 of 4 stars; one submission).

Conditions:
Familial dysautonomia. Also called: HSAN III; FD. Identifiers: Orphanet 1764, MedGen C0013364, MONDO:0009131, OMIM 223900. Disease mechanism: loss of function.

Submission:

Natera, Inc.
Classification: Likely pathogenic for Familial dysautonomia. Last evaluated: 2025-08-07. Review status: criteria provided, single submitter. Criteria: Natera Variant Classification Schema (03/2026). Collection method: clinical testing. Allele origin: germline.
Comment: The c.438_439delGCinsAT variant in ELP1 is a deletion-insertion (delins) variant predicted to replace one or more nucleotides with a different sequence. This variant is expected to result in nonsense mediated decay, truncation, or a dysfunctional protein product. This variant is rare in the general population with a frequency below the threshold expected for the associated phenotype(s). Given the available evidence, this variant is classified as Likely Pathogenic.